The following is an entry in ClinVar:

ClinVar aggregate classification (germline): Likely benign (1 of 4 stars; one submission).

Submission:

CeGaT Center for Human Genetics Tuebingen
Classification: Likely benign. Last evaluated: 2024-10-01. Review status: criteria provided, single submitter. Criteria: CeGaT Center For Human Genetics Tuebingen Variant Classification Criteria Version 2. Collection method: clinical testing. Allele origin: germline. Affected: yes. Observed: 1 variant allele.
Comment: HACE1: PM2:Supporting, BP4, BP7

NM_020771.4(HACE1):c.2316C>T (p.Leu772=)

Gene: HACE1 (HECT domain and ankyrin repeat containing E3 ubiquitin protein ligase 1; minus strand). Cytogenetic location: 6q16.3.
Variant type: single nucleotide variant.
Coding change: c.2316C>T on transcript NM_020771.4 (MANE Select); coding-DNA position 2316, C replaced by T.
Protein change: p.Leu772=; no amino-acid change (leucine 772 retained).
Molecular consequence: synonymous variant. On other transcripts: non-coding transcript variant (7).
Genome position (GRCh38, 1-based): chr6:104,750,368, G>A on the plus strand (C>T on the coding strand, the complement: HACE1 is on the minus strand). VCF-style: chr6-104750368-G-A. GRCh37 (hg19) VCF-style: chr6-105198243-G-A.
Other names: c.2184C>T, p.Leu728= (NM_001321080.2); c.2214C>T, p.Leu738= (NM_001321083.2); c.1812C>T, p.Leu604= (NM_001321084.2, NM_001350557.2, NM_001350558.2); c.2082C>T, p.Leu694= (NM_001350554.2); c.2025C>T, p.Leu675= (NM_001350555.2); c.1830C>T, p.Leu610= (NM_001350556.2); c.1734C>T, p.Leu578= (NM_001350559.2); c.1533C>T, p.Leu511= (NM_001350560.2).
Identifiers: ClinVar variation 3390025 (VCV003390025.14).